The following is an entry in ClinVar:

ClinVar aggregate classification (germline): Pathogenic (1 of 4 stars; one submission).

gnomAD v4.1: 1 of 1,613,790 alleles (0.000062%); highest among the groups gnomAD compares: African/African-American, 0.0013%; no homozygotes.

Submission:

Labcorp Genetics (formerly Invitae), Labcorp
Classification: Pathogenic. Last evaluated: 2025-08-14. Review status: criteria provided, single submitter. Criteria: Invitae Variant Classification Sherloc (09022015). Collection method: clinical testing. Allele origin: germline.
Comment: This sequence change creates a premature translational stop signal (p.Glu286*) in the FZD4 gene. While this is not anticipated to result in nonsense mediated decay, it is expected to disrupt the last 252 amino acid(s) of the FZD4 protein. This variant is not present in population databases (gnomAD no frequency). This premature translational stop signal has been observed in individual(s) with familial exudative vitreoretinopathy (PMID: 20340138). This variant disrupts a region of the FZD4 protein in which other variant(s) (p.Gln505*) have been determined to be pathogenic (PMID: 15223780, 23077402). This suggests that this is a clinically significant region of the protein, and that variants that disrupt it are likely to be disease-causing. For these reasons, this variant has been classified as Pathogenic.

Literature cited by the submitters: PubMed 20340138; PubMed 15223780; PubMed 23077402.

NM_012193.4(FZD4):c.856G>T (p.Glu286Ter)

Genes: FZD4 (frizzled class receptor 4; minus strand), PRSS23 (serine protease 23; plus strand). Cytogenetic location: 11q14.2.
Variant type: single nucleotide variant.
Coding change: c.856G>T on transcript NM_012193.4 (MANE Select); coding-DNA position 856, G replaced by T.
Protein change: p.Glu286Ter; replaces glutamic acid 286 with a stop codon.
Molecular consequence: nonsense. On other transcripts: non-coding transcript variant (2).
Genome position (GRCh38, 1-based): chr11:86,951,900, C>A on the plus strand (G>T on the coding strand, the complement: FZD4 is on the minus strand). VCF-style: chr11-86951900-C-A. GRCh37 (hg19) VCF-style: chr11-86662942-C-A.
Other names: short protein forms E286*.
Identifiers: ClinVar variation 4709870 (VCV004709870.1).
Genomic context (GRCh38, chr11:86,951,900, plus strand): 5'-AAATTATTGCACATCCTGTGTTCTTAAGTCCTTCTTGGATGAGAACAGGTTCTGCTGCCT[C>A]TTCAAAATCACAGGATATCCTTTCCCGGCCTACAGTCAGCCTGACAATATAAGCAATGCT-3'